The following is an entry in ClinVar:

ClinVar aggregate classification (germline): Uncertain significance. Review status: criteria provided, multiple submitters, no conflicts (2 of 4 stars). 4 submissions from 4 submitters: Uncertain significance (4). Last evaluated 2026-08-06.

Conditions:
Charcot-Marie-Tooth disease type 2. Also called: Charcot-Marie-Tooth type 2. Identifiers: Orphanet 64746, MedGen C0270914, MONDO:0018993.
Neuroblastoma, susceptibility to, 1. Identifiers: MedGen C2749485, MONDO:0009741, OMIM 256700.

gnomAD v4.1: 38 of 1,614,108 alleles (0.0024%); highest among the groups gnomAD compares: Middle Eastern, 0.033%; no homozygotes.

Submissions (4):

OLLIN Analises Genomicas, OLLIN
Classification: Uncertain significance for Neuroblastoma, susceptibility to, 1. Last evaluated: 2026-08-06. Review status: criteria provided, single submitter. Criteria: ACMG Guidelines 2015 PMID 25741868. Collection method: clinical testing. Allele origin: germline.
Comment: This missense variant, located in exon 43 (of 49), has been reported in ClinVar (accession VCV001059985.12) and in gnomAD with an allele frequency of 0.0024%. However, to our knowledge, it has not been reported in the scientific literature. In silico analysis predicts that this variant has a tolerated effect. This gene is constrained for missense variation. According to the currently available evidence, this variant has been classified as uncertain significance (PP2, BP4_M).

CeGaT Center for Human Genetics Tuebingen
Classification: Uncertain significance. Last evaluated: 2026-08-01. Review status: criteria provided, single submitter. Criteria: CeGaT Center For Human Genetics Tuebingen Variant Classification Criteria Version 2. Collection method: clinical testing. Allele origin: germline. Affected: yes. Observed: 1 variant allele.

Labcorp Genetics (formerly Invitae), Labcorp
Classification: Uncertain significance for Charcot-Marie-Tooth disease type 2. Last evaluated: 2026-01-06. Review status: criteria provided, single submitter. Criteria: Invitae Variant Classification Sherloc (09022015). Collection method: clinical testing. Allele origin: germline.
Comment: This sequence change replaces glutamine, which is neutral and polar, with histidine, which is basic and polar, at codon 1502 of the KIF1B protein (p.Gln1502His). This variant is present in population databases (rs199611419, gnomAD 0.003%). This variant has not been reported in the literature in individuals affected with KIF1B-related conditions. ClinVar contains an entry for this variant (Variation ID: 1059985). An algorithm developed to predict the effect of missense changes on protein structure and function (PolyPhen-2) suggests that this variant is likely to be disruptive. In summary, the available evidence is currently insufficient to determine the role of this variant in disease. Therefore, it has been classified as a Variant of Uncertain Significance.

Ambry Genetics
Classification: Uncertain significance. Last evaluated: 2024-08-28. Review status: criteria provided, single submitter. Criteria: Ambry Variant Classification Scheme 2023. Collection method: clinical testing. Allele origin: germline.
Comment: The p.Q1502H variant (also known as c.4506G>T), located in coding exon 40 of the KIF1B gene, results from a G to T substitution at nucleotide position 4506. The glutamine at codon 1502 is replaced by histidine, an amino acid with highly similar properties. This amino acid position is highly conserved in available vertebrate species. In addition, this alteration is predicted to be tolerated by in silico analysis. Since supporting evidence is limited at this time, the clinical significance of this alteration remains unclear.

NM_001365951.3(KIF1B):c.4644G>T (p.Gln1548His)

Gene: KIF1B (kinesin family member 1B; plus strand). Cytogenetic location: 1p36.22.
Variant type: single nucleotide variant.
Coding change: c.4644G>T on transcript NM_001365951.3 (MANE Select); coding-DNA position 4644, G replaced by T.
Protein change: p.Gln1548His; replaces glutamine 1548 with histidine.
Molecular consequence: missense variant.
Genome position (GRCh38, 1-based): chr1:10,365,540, G>T. VCF-style: chr1-10365540-G-T. GRCh37 (hg19) VCF-style: chr1-10425598-G-T.
Other names: c.4644G>T, p.Gln1548His (NM_001365952.1); c.4506G>T, p.Gln1502His (NM_015074.3); short protein forms Q1502H, Q1548H.
Identifiers: ClinVar variation 1059985 (VCV001059985.14), dbSNP rs199611419, ClinGen allele CA582140.